The following is an entry in ClinVar:

NM_000059.4(BRCA2):c.578C>G (p.Ser193Cys)

Gene: BRCA2 (BRCA2 DNA repair associated; plus strand). Cytogenetic location: 13q13.1.
Variant type: single nucleotide variant.
Coding change: c.578C>G on transcript NM_000059.4 (MANE Select); coding-DNA position 578, C replaced by G.
Protein change: p.Ser193Cys; replaces serine 193 with cysteine.
Molecular consequence: missense variant. On other transcripts: non-coding transcript variant (1).
Genome position (GRCh38, 1-based): chr13:32,326,560, C>G. VCF-style: chr13-32326560-C-G. GRCh37 (hg19) VCF-style: chr13-32900697-C-G.
Other names: c.578C>G, p.Ser193Cys (NM_001406719.1, NM_001406720.1, NM_001406721.1); c.209C>G, p.Ser70Cys (NM_001406722.1); short protein forms S70C, S193C.
Identifiers: ClinVar variation 2770895 (VCV002770895.3), dbSNP rs864622305, ClinGen allele CA387758029.

ClinVar aggregate classification (germline): Uncertain significance (1 of 4 stars; one submission).

Conditions:
Hereditary breast ovarian cancer syndrome. Also called: Hereditary breast and ovarian cancer syndrome; Hereditary breast and ovarian cancer syndrome (HBOC); BRCA1- and BRCA2-Associated Hereditary Breast and Ovarian Cancer; Hereditary breast and ovarian cancer; Breast and ovarian cancer; Hereditary breast and/or ovarian cancer syndrome. Identifiers: Orphanet 145, MedGen C0677776, MeSH D061325, MONDO:0003582. Disease mechanism: loss of function.

Submission:

Labcorp Genetics (formerly Invitae), Labcorp
Classification: Uncertain significance for Hereditary breast ovarian cancer syndrome. Last evaluated: 2024-02-15. Review status: criteria provided, single submitter. Criteria: Invitae Variant Classification Sherloc (09022015). Collection method: clinical testing. Allele origin: germline.
Comment: This sequence change replaces serine, which is neutral and polar, with cysteine, which is neutral and slightly polar, at codon 193 of the BRCA2 protein (p.Ser193Cys). This variant is not present in population databases (gnomAD no frequency). This variant has not been reported in the literature in individuals affected with BRCA2-related conditions. Advanced modeling of protein sequence and biophysical properties (such as structural, functional, and spatial information, amino acid conservation, physicochemical variation, residue mobility, and thermodynamic stability) performed at Invitae indicates that this missense variant is not expected to disrupt BRCA2 protein function with a negative predictive value of 95%. In summary, the available evidence is currently insufficient to determine the role of this variant in disease. Therefore, it has been classified as a Variant of Uncertain Significance.